The following is an entry in ClinVar:

ClinVar aggregate classification (germline): Conflicting classifications of pathogenicity. Review status: criteria provided, conflicting classifications (1 of 4 stars). 3 submissions from 3 submitters: Uncertain significance (2); Likely benign (1). Last evaluated 2023-12-05.

Conditions:
Ataxia-telangiectasia syndrome (AT). Also called: Ataxia-telangiectasia, complementation group D; Cerebello-oculocutaneous telangiectasia; Immunodeficiency with ataxia telangiectasia; LOUIS-BAR SYNDROME; Ataxia-telangiectasia; AT, COMPLEMENTATION GROUP C. Identifiers: Orphanet 100, MedGen C0004135, MONDO:0008840, OMIM 208900.
Hereditary cancer-predisposing syndrome. Also called: Tumor predisposition; Hereditary neoplastic syndrome; Neoplastic Syndromes, Hereditary; Hereditary Cancer Syndrome. Identifiers: Orphanet 140162, MedGen C0027672, MeSH D009386, MONDO:0015356.

Allele frequency attached by ClinVar (database versions not stated): gnomAD exomes below 0.00001; TOPMed below 0.00001.
gnomAD v4.1: 1 of 1,613,984 alleles (0.000062%); highest among the groups gnomAD compares: Non-Finnish European, 0.000085%; no homozygotes.

Submissions (3):

Color Diagnostics, LLC DBA Color Health
Classification: Uncertain significance for Hereditary cancer-predisposing syndrome. Last evaluated: 2023-12-05. Review status: criteria provided, single submitter. Criteria: ACMG Guidelines, 2015. Collection method: clinical testing. Allele origin: germline.
Comment: This missense variant replaces isoleucine with methionine at codon 559 of the ATM protein. Computational prediction tools and conservation analyses suggest that this variant may not impact the protein function. Computational splicing tools suggest that this variant may not impact RNA splicing. To our knowledge, functional assays have not been performed for this variant nor has this variant been reported in individuals affected with hereditary cancer in the literature. This variant has been identified in 1/251310 chromosomes in the general population by the Genome Aggregation Database (gnomAD). Available evidence is insufficient to determine the role of this variant in disease conclusively. Therefore, this variant is classified as a Variant of Uncertain Significance.

Ambry Genetics
Classification: Likely benign for Hereditary cancer-predisposing syndrome. Last evaluated: 2023-03-12. Review status: criteria provided, single submitter. Criteria: Ambry Variant Classification Scheme 2023. Collection method: clinical testing. Allele origin: germline.

Labcorp Genetics (formerly Invitae), Labcorp
Classification: Uncertain significance for Ataxia-telangiectasia syndrome. Last evaluated: 2021-08-31. Review status: criteria provided, single submitter. Criteria: Invitae Variant Classification Sherloc (09022015). Collection method: clinical testing. Allele origin: germline.
Comment: This sequence change replaces isoleucine with methionine at codon 559 of the ATM protein (p.Ile559Met). The isoleucine residue is weakly conserved and there is a small physicochemical difference between isoleucine and methionine. This variant is not present in population databases (ExAC no frequency). This variant has not been reported in the literature in individuals affected with ATM-related conditions. Algorithms developed to predict the effect of missense changes on protein structure and function output the following: SIFT: "Tolerated"; PolyPhen-2: "Benign"; Align-GVGD: "Class C0". The methionine amino acid residue is found in multiple mammalian species, which suggests that this missense change does not adversely affect protein function. In summary, the available evidence is currently insufficient to determine the role of this variant in disease. Therefore, it has been classified as a Variant of Uncertain Significance.

NM_000051.4(ATM):c.1677A>G (p.Ile559Met)

Gene: ATM (ATM serine/threonine kinase; plus strand). Cytogenetic location: 11q22.3.
Variant type: single nucleotide variant.
Coding change: c.1677A>G on transcript NM_000051.4 (MANE Select); coding-DNA position 1677, A replaced by G.
Protein change: p.Ile559Met; replaces isoleucine 559 with methionine.
Molecular consequence: missense variant.
Genome position (GRCh38, 1-based): chr11:108,251,906, A>G. VCF-style: chr11-108251906-A-G. GRCh37 (hg19) VCF-style: chr11-108122633-A-G.
Other names: c.1677A>G, p.Ile559Met (NM_001351834.2); short protein forms I559M.
Identifiers: ClinVar variation 927891 (VCV000927891.13), dbSNP rs1190611996, ClinGen allele CA382535142.